The following is an entry in ClinVar:

NM_004525.3(LRP2):c.2158C>T (p.Arg720Cys)

Gene: LRP2 (LDL receptor related protein 2; minus strand). Cytogenetic location: 2q31.1.
Variant type: single nucleotide variant.
Coding change: c.2158C>T on transcript NM_004525.3 (MANE Select); coding-DNA position 2158, C replaced by T.
Protein change: p.Arg720Cys; replaces arginine 720 with cysteine.
Molecular consequence: missense variant.
Genome position (GRCh38, 1-based): chr2:169,271,066, G>A on the plus strand (C>T on the coding strand, the complement: LRP2 is on the minus strand). VCF-style: chr2-169271066-G-A. GRCh37 (hg19) VCF-style: chr2-170127576-G-A.
Other names: short protein forms R720C.
Identifiers: ClinVar variation 1401688 (VCV001401688.8), dbSNP rs1194431241, ClinGen allele CA349162983.

ClinVar aggregate classification (germline): Uncertain significance (1 of 4 stars; one submission).

gnomAD v4.1: 9 of 1,613,022 alleles (0.00056%); highest among the groups gnomAD compares: Non-Finnish European, 0.00076%; no homozygotes.

Submission:

Labcorp Genetics (formerly Invitae), Labcorp
Classification: Uncertain significance. Last evaluated: 2020-12-26. Review status: criteria provided, single submitter. Criteria: Invitae Variant Classification Sherloc (09022015). Collection method: clinical testing. Allele origin: germline.
Comment: In summary, the available evidence is currently insufficient to determine the role of this variant in disease. Therefore, it has been classified as a Variant of Uncertain Significance. Advanced modeling of protein sequence and biophysical properties (such as structural, functional, and spatial information, amino acid conservation, physicochemical variation, residue mobility, and thermodynamic stability) performed at Invitae indicates that this missense variant is expected to disrupt LRP2 protein function. This variant has not been reported in the literature in individuals with LRP2-related conditions. This variant is not present in population databases (ExAC no frequency). This sequence change replaces arginine with cysteine at codon 720 of the LRP2 protein (p.Arg720Cys). The arginine residue is highly conserved and there is a large physicochemical difference between arginine and cysteine.